The following is an entry in ClinVar:

NM_001267550.2(TTN):c.75469C>T (p.Arg25157Ter)

Genes: TTN (titin; minus strand), TTN-AS1 (TTN antisense RNA 1; plus strand). Cytogenetic location: 2q31.2.
Variant type: single nucleotide variant.
Coding change: c.75469C>T on transcript NM_001267550.2 (MANE Select); coding-DNA position 75469, C replaced by T.
Protein change: p.Arg25157Ter; replaces arginine 25157 with a stop codon.
Molecular consequence: nonsense.
Genome position (GRCh38, 1-based): chr2:178,570,663, G>A on the plus strand (C>T on the coding strand, the complement: TTN is on the minus strand). VCF-style: chr2-178570663-G-A. GRCh37 (hg19) VCF-style: chr2-179435390-G-A.
Other names: c.70546C>T, p.Arg23516Ter (NM_001256850.1); c.48274C>T, p.Arg16092Ter (NM_003319.4); c.67765C>T, p.Arg22589Ter (NM_133378.4); c.48649C>T, p.Arg16217Ter (NM_133432.3); c.48850C>T, p.Arg16284Ter (NM_133437.4); c.75469C>T (NM_001267550.1); short protein forms R23516*, R25157*, R16092*, R16217*, R22589*, R16284*.
Identifiers: ClinVar variation 431883 (VCV000431883.14), dbSNP rs1553603394, ClinGen allele CA349625004.

ClinVar aggregate classification (germline): Pathogenic/Likely pathogenic. Review status: criteria provided, multiple submitters, no conflicts (2 of 4 stars). 5 submissions from 5 submitters: Pathogenic (2); Likely pathogenic (3). Last evaluated 2026-08-20.

Conditions:
TTN-related disorder. Also called: TTN-related condition; TTN-related disease; TTN-related disorders.
Cardiovascular phenotype. Identifiers: MedGen CN230736.
Autosomal recessive limb-girdle muscular dystrophy type 2J (LGMDR10). Also called: Limb-girdle muscular dystrophy, type 2J; MUSCULAR DYSTROPHY, LIMB-GIRDLE, AUTOSOMAL RECESSIVE 10. Identifiers: Orphanet 140922, MedGen C1837342, MONDO:0012127, OMIM 608807.
Dilated cardiomyopathy 1G (CMD1G). Identifiers: Orphanet 154, MedGen C1858763, MONDO:0011400, OMIM 604145.

Submissions (5):

Ambry Genetics
Classification: Likely pathogenic for Cardiovascular phenotype. Last evaluated: 2026-08-20. Review status: criteria provided, single submitter. Criteria: Ambry Variant Classification Scheme 2023. Collection method: clinical testing. Allele origin: germline.
Comment: The p.R16092* variant (also known as c.48274C>T), located in coding exon 153 of the TTN gene, results from a C to T substitution at nucleotide position 48274. This changes the amino acid from an arginine to a stop codon within coding exon 153. This exon is located in the A-band region of the N2-B isoform of the titin protein and is constitutively expressed in TTN transcripts (percent spliced in or PSI 100%). This variant has been identified with another TTN nonsense variant in an individual with distal myopathy (Peri S et al. Eur J Hum Genet, 2017 May;25:572-581). Note, this variant is also referred to as p.R25157* (c.75469C>T) in the literature. This variant is considered to be rare based on population cohorts in the Genome Aggregation Database (gnomAD). This variant is expected to result in loss of function by premature protein truncation or nonsense-mediated mRNA decay. While truncating variants in TTN are present in 1-3% of the general population, truncating variants in the A-band are the most common cause of dilated cardiomyopathy (Herman DS et al. N. Engl. J. Med., 2012 Feb;366:619-28; Roberts AM et al. Sci Transl Med, 2015 Jan;7:270ra6). TTN truncating variants encoded in constitutive exons (PSI >90%) have been found to be significantly associated with DCM regardless of their position in titin (Schafer S et al. Nat. Genet., 2017 01;49:46-53; Akhtar MM et al. Circ Heart Fail, 2020 Oct;13:e006832; Massier M et al. Clin Genet, 2025 Jan). Based on the majority of available evidence to date, this variant is likely to be pathogenic.

Labcorp Genetics (formerly Invitae), Labcorp
Classification: Pathogenic for Dilated cardiomyopathy 1G; Autosomal recessive limb-girdle muscular dystrophy type 2J. Last evaluated: 2025-04-24. Review status: criteria provided, single submitter. Criteria: Invitae Variant Classification Sherloc (09022015). Collection method: clinical testing. Allele origin: germline.
Comment: This sequence change creates a premature translational stop signal (p.Arg25157*) in the TTN gene. While this is not anticipated to result in nonsense mediated decay, it is expected to create a truncated TTN protein. This variant is not present in population databases (gnomAD no frequency). This premature translational stop signal has been observed in individual(s) with autosomal recessive distal myopathy (PMID: 28295036). In at least one individual the data is consistent with being in trans (on the opposite chromosome) from a pathogenic variant. ClinVar contains an entry for this variant (Variation ID: 431883). This variant is located in the A band of TTN (PMID: 25589632). Truncating variants in this region are significantly overrepresented in patients affected with dilated cardiomyopathy (PMID: 25589632). Truncating variants in this region have also been reported in individuals affected with autosomal recessive centronuclear myopathy (PMID: 23975875). For these reasons, this variant has been classified as Pathogenic.

GeneDx
Classification: Likely pathogenic. Last evaluated: 2024-04-01. Review status: criteria provided, single submitter. Criteria: GeneDx Variant Classification Process June 2021. Collection method: clinical testing. Allele origin: germline. Affected: yes.
Comment: Identified in a patient with distal myopathy who harbored another pathogenic variant in the TTN gene and in a patient with limb-girdle weakness (PMID: 28295036, 32528171); Nonsense variant predicted to result in protein truncation or nonsense mediated decay in a gene for which loss of function is a known mechanism of disease; Not observed at significant frequency in large population cohorts (gnomAD); Located in the A-band region of TTN in which the majority of loss of function variants have been associated with autosomal dominant titinopathies (PMID: 22335739); This variant is associated with the following publications: (PMID: 22335739, 32778822, 32528171, 38438525, 33996946, 28295036)

Institute for Clinical Genetics, University Hospital TU Dresden, University Hospital TU Dresden
Classification: Pathogenic. Last evaluated: 2023-04-11. Review status: criteria provided, single submitter. Criteria: ACMG Guidelines, 2015. Collection method: clinical testing. Allele origin: germline.
Comment: PVS1, PS4, PM2_SUP

Blueprint Genetics
Classification: Likely pathogenic for TTN-related disorders. Last evaluated: 2019-05-17. Review status: criteria provided, single submitter. Criteria: ACMG Guidelines, 2015. Collection method: clinical testing. Allele origin: germline. Affected: yes. Observed: 1 variant allele.

Literature cited by the submitters: PubMed 28295036 (cited by Ambry Genetics and Labcorp Genetics (formerly Invitae), Labcorp); PubMed 25589632 (cited by Labcorp Genetics (formerly Invitae), Labcorp); PubMed 23975875 (cited by Labcorp Genetics (formerly Invitae), Labcorp).